The following is an entry in ClinVar:

ClinVar aggregate classification (germline): Pathogenic (1 of 4 stars; one submission).

Submission:

GeneDx
Classification: Pathogenic. Last evaluated: 2026-01-24. Review status: criteria provided, single submitter. Criteria: GeneDx Variant Classification Process June 2021. Collection method: clinical testing. Allele origin: germline.
Comment: Nonsense variant predicted to result in protein truncation or nonsense mediated decay in a gene for which loss of function is a known mechanism of disease; Not observed at significant frequency in large population cohorts (gnomAD); This variant is associated with the following publications: (PMID: 40869952, 38764027)

NM_003128.3(SPTBN1):c.247C>T (p.Arg83Ter)

Gene: SPTBN1 (spectrin beta, non-erythrocytic 1; plus strand). Cytogenetic location: 2p16.2.
Variant type: single nucleotide variant.
Coding change: c.247C>T on transcript NM_003128.3 (MANE Select); coding-DNA position 247, C replaced by T.
Protein change: p.Arg83Ter; replaces arginine 83 with a stop codon.
Molecular consequence: nonsense.
Genome position (GRCh38, 1-based): chr2:54,599,190, C>T. VCF-style: chr2-54599190-C-T. GRCh37 (hg19) VCF-style: chr2-54826327-C-T.
Other names: c.208C>T, p.Arg70Ter (NM_178313.3); short protein forms R70*, R83*.
Identifiers: ClinVar variation 4975631 (VCV004975631.1).
Genomic context (GRCh38, chr2:54,599,190, plus strand): 5'-TGGGTCAATTCCCACCTTGCCCGTGTGTCCTGCCGGATCACAGACCTGTACACTGACCTT[C>T]GAGATGGACGGATGCTCATCAAGCTGCTGGAGGTCCTCTCTGGAGAGAGGCTGGTGAGTG-3'